The following is an entry in ClinVar:

ClinVar aggregate classification (germline): Likely benign. Review status: criteria provided, multiple submitters, no conflicts (2 of 4 stars). 2 submissions from 2 submitters: Likely benign (2). Last evaluated 2025-08-24.

Allele frequency attached by ClinVar (database versions not stated): gnomAD 0.00009 and 0.00013; TOPMed 0.00020; 1000 Genomes Project 30x 0.00047; 1000 Genomes Project 0.00060.
gnomAD v4.1: 214 of 1,588,532 alleles (0.013%); highest among the groups gnomAD compares: East Asian, 0.25%; 2 homozygotes.

Submissions (2):

Labcorp Genetics (formerly Invitae), Labcorp
Classification: Likely benign. Last evaluated: 2025-08-24. Review status: criteria provided, single submitter. Criteria: Invitae Variant Classification Sherloc (09022015). Collection method: clinical testing. Allele origin: germline.

Mayo Clinic Laboratories, Mayo Clinic
Classification: Likely benign. Last evaluated: 2024-11-08. Review status: criteria provided, single submitter. Criteria: ACMG Guidelines, 2015. Collection method: clinical testing. Allele origin: germline. Observed: 1 variant allele.
Comment: BS1, BP4, BP7

NM_152305.3(POGLUT1):c.1179G>A (p.Ter393=)

Gene: POGLUT1 (protein O-glucosyltransferase 1; plus strand). Cytogenetic location: 3q13.33.
Variant type: single nucleotide variant.
Coding change: c.1179G>A on transcript NM_152305.3 (MANE Select); coding-DNA position 1179, G replaced by A.
Protein change: p.Ter393=.
Molecular consequence: synonymous variant. On other transcripts: non-coding transcript variant (1).
Genome position (GRCh38, 1-based): chr3:119,492,438, G>A. VCF-style: chr3-119492438-G-A. GRCh37 (hg19) VCF-style: chr3-119211285-G-A.
Other names: p.*393=.
Identifiers: ClinVar variation 1590672 (VCV001590672.9), dbSNP rs142667293, ClinGen allele CA2555065.